The following is an entry in ClinVar:

NM_020812.4(DOCK6):c.1291C>T (p.Arg431Trp)

Gene: DOCK6 (dedicator of cytokinesis 6; minus strand). Cytogenetic location: 19p13.2.
Variant type: single nucleotide variant.
Coding change: c.1291C>T on transcript NM_020812.4 (MANE Select); coding-DNA position 1291, C replaced by T.
Protein change: p.Arg431Trp; replaces arginine 431 with tryptophan.
Molecular consequence: missense variant.
Genome position (GRCh38, 1-based): chr19:11,243,353, G>A on the plus strand (C>T on the coding strand, the complement: DOCK6 is on the minus strand). VCF-style: chr19-11243353-G-A. GRCh37 (hg19) VCF-style: chr19-11354029-G-A.
Other names: c.1291C>T, p.Arg431Trp (NM_001367830.1); short protein forms R431W.
Identifiers: ClinVar variation 1951289 (VCV001951289.2), dbSNP rs747899374, ClinGen allele CA9208182.

ClinVar aggregate classification (germline): Uncertain significance (1 of 4 stars; one submission).

Allele frequency attached by ClinVar (database versions not stated): ExAC 0.00003.
gnomAD v4.1: 3 of 1,600,216 alleles (0.00019%); highest among the groups gnomAD compares: Non-Finnish European, 0.00026%; no homozygotes.

Submission:

Labcorp Genetics (formerly Invitae), Labcorp
Classification: Uncertain significance. Last evaluated: 2022-08-16. Review status: criteria provided, single submitter. Criteria: Invitae Variant Classification Sherloc (09022015). Collection method: clinical testing. Allele origin: germline.
Comment: This sequence change replaces arginine, which is basic and polar, with tryptophan, which is neutral and slightly polar, at codon 431 of the DOCK6 protein (p.Arg431Trp). This variant is present in population databases (rs747899374, gnomAD 0.002%). This variant has not been reported in the literature in individuals affected with DOCK6-related conditions. Algorithms developed to predict the effect of missense changes on protein structure and function are either unavailable or do not agree on the potential impact of this missense change (SIFT: "Deleterious"; PolyPhen-2: "Possibly Damaging"; Align-GVGD: "Class C0"). In summary, the available evidence is currently insufficient to determine the role of this variant in disease. Therefore, it has been classified as a Variant of Uncertain Significance.